The following continues an entry in ClinVar:

NM_000059.4(BRCA2):c.7985C>A (p.Thr2662Lys)

Gene: BRCA2. ClinVar aggregate classification (germline): Conflicting classifications of pathogenicity. Uncertain significance (8); Likely benign (2).

Submissions 10 to 13 of 13:

GeneDx
Classification: Uncertain significance. Last evaluated: 2016-04-15. Review status: criteria provided, single submitter. Criteria: GeneDx Variant Classification (06012015). Collection method: clinical testing. Allele origin: germline. Affected: yes.
Comment: This variant is denoted BRCA2 c.7985C>A at the cDNA level, p.Thr2662Lys (T2662K) at the protein level, and results in the change of a Threonine to a Lysine (ACG>AAG). Using alternate nomenclature, this variant would be defined as BRCA2 8213C>A. This variant has been identified in at least one individual with epithelial ovarian cancer and at least one individual with colon cancer with a family history of pancreatic and breast cancer (Alsop 2012, Shirts 2016). Shirts et al (2016) performed RT-PCR on RNA from an affected individual and reported that this variant created an alternate transcript that skipped exon 18. However, this alternate transcript has been seen in controls and therefore, the significance of this finding is unknown (Tesoriero 2005, Walker 2010). BRCA2 Thr2662Lys was not observed in approximately 6,500 individuals of European and African American ancestry in the NHLBI Exome Sequencing Project, indicating it is not a common benign variant in these populations. Since Threonine and Lysine differ in some properties, this is considered a semi-conservative amino acid substitution. BRCA2 Thr2662Lys occurs at a position that is not conserved and is located in the DNA binding and SHFM1 binding domain (Marston 1999, Yang 2002). In silico analyses predict that this variant is unlikely to alter protein structure or function. Based on currently available information, it is unclear whether BRCA2 Thr2662Lys is pathogenic or benign. We consider this to be a variant of uncertain significance.

Counsyl
Classification: Uncertain significance for Breast-ovarian cancer, familial, susceptibility to, 2. Last evaluated: 2016-02-19. Review status: no assertion criteria provided. Collection method: clinical testing. Allele origin: unknown. Not counted in ClinVar's aggregate classification.

Sharing Clinical Reports Project (SCRP)
Classification: Uncertain significance for Breast-ovarian cancer, familial 2. Last evaluated: 2011-03-21. Review status: no assertion criteria provided. Collection method: clinical testing. Allele origin: germline. Not counted in ClinVar's aggregate classification.

Department of Pathology and Laboratory Medicine, Sinai Health System
Classification: Uncertain significance for Malignant tumor of breast. Review status: no assertion criteria provided. Collection method: clinical testing. Allele origin: unknown. Affected: yes. Study: The Canadian Open Genetics Repository (COGR). Not counted in ClinVar's aggregate classification.
Comment: The BRCA2 p.Thr2662Lys variant was identified in 1 of 2924 proband chromosomes (frequency: 0.0003) from individuals or families with hereditary cancer (Shirts 2016). The variant was also identified in dbSNP (ID: rs431825362 as With Pathogenic, Uncertain significance allele) and ClinVar (7x as a variant of uncertain significance, 1x as likely pathogenic, and 1x as pathogenic). The variant was not identified in Cosmic, MutDB, LOVD 3.0, ARUP Laboratories, or Zhejiang University Database. The variant was identified in control databases in 1 of 244984 chromosomes at a frequency of 0.000004 (Genome Aggregation Database Feb 27, 2017). The variant was observed in the European Non-Finnish population in 1 of 110928 chromosomes (freq: 0.000009) and was not observed in the African, Other, Latino, Ashkenazi Jewish, East Asian, Finnish, and South Asian populations. This variant has been shown to alter splicing of the BRCA2 transcript, resulting in the skipping of exon 18 (Shirts 2016); however, the biological significance of this splicing alteration is unclear. The p.Thr2662 residue is not conserved in mammals and computational analyses (SIFT, AlignGVGD, BLOSUM, MutationTaster) provide inconsistent predictions regarding the impact of this amino acid substitution to the protein; this information is not reliably predictive of pathogenicity. In summary, based on the above information the clinical significance of this variant cannot be determined with certainty at this time. This variant is classified as a variant of uncertain significance.

Literature cited by the submitters: PubMed 23633455 (cited by 5 submitters); PubMed 31131967 (cited by 3 submitters); PubMed 22711857 (cited by 6 submitters); PubMed 26845104 (cited by 6 submitters); PubMed 28678401 (cited by 3 submitters); PubMed 34271781 (cited by Quest Diagnostics Nichols Institute San Juan Capistrano); PubMed 39779848 (cited by Quest Diagnostics Nichols Institute San Juan Capistrano); PubMed 26295337 (cited by Quest Diagnostics Nichols Institute San Juan Capistrano); PubMed 30661751 (cited by Color Diagnostics, LLC DBA Color Health); PubMed 31853058 (cited by Color Diagnostics, LLC DBA Color Health); PubMed 35449021 (cited by Color Diagnostics, LLC DBA Color Health).